The following is an entry in ClinVar:

NM_182641.4(BPTF):c.7776dup (p.Arg2593fs)

Gene: BPTF (bromodomain PHD finger transcription factor; plus strand). Cytogenetic location: 17q24.2.
Variant type: Duplication.
Coding change: c.7776dup on transcript NM_182641.4 (MANE Select); coding-DNA position 7776, one base duplicated (A; older notation c.7776dupA).
Protein change: p.Arg2593fs; shifts the reading frame from arginine 2593.
Molecular consequence: frameshift variant.
Genome position (GRCh38, 1-based): chr17:67,948,156, A duplicated; the last of 7 consecutive A bases (chr17:67,948,150-67,948,156); duplicating any one gives the same sequence. VCF-style (leftmost placement, unchanged base first): chr17-67948149-C-CA. GRCh37 (hg19) VCF-style: chr17-65944265-C-CA.
Other names: c.7725dup, p.Arg2576fs (NM_004459.7); short protein forms R2576fs, R2593fs.
Identifiers: ClinVar variation 3068507 (VCV003068507.2), dbSNP rs2512646880, ClinGen allele CA645598736.

ClinVar aggregate classification (germline): Pathogenic (1 of 4 stars; one submission).

Conditions:
Neurodevelopmental disorder with dysmorphic facies and distal limb anomalies. Identifiers: Orphanet 686482, MedGen C4540327, MONDO:0060596, OMIM 617755.

Submission:

Center for Human Genetics and Genomic Medicine, Uniklinik Rwth Aachen
Classification: Pathogenic for Neurodevelopmental disorder with dysmorphic facies and distal limb anomalies. Last evaluated: 2024-02-21. Review status: criteria provided, single submitter. Criteria: ACMG Guidelines, 2015. Collection method: clinical testing. Allele origin: de novo. Inheritance: Autosomal dominant inheritance. Affected: yes.
Comment: The variant creates a frameshift effect with a new stop codon at position 4, thus likely leading to a loss of function. It is absent from controls (gnomAD) and has not yet been reported in online databases (dbSNP). Loss of function variants are a common mechanism of disease in the BPTF gene. ACMG criteria are PVS1, PS2, PM2. The variant meets our criteria to be classified as pathogenic.